The following is an entry in ClinVar:

ClinVar aggregate classification (germline): Uncertain significance (1 of 4 stars; one submission).

gnomAD v4.1: 13 of 1,591,030 alleles (0.00082%); highest among the groups gnomAD compares: South Asian, 0.0046%; no homozygotes.

Submission:

GeneDx
Classification: Uncertain significance. Last evaluated: 2025-12-05. Review status: criteria provided, single submitter. Criteria: GeneDx Variant Classification Process June 2021. Collection method: clinical testing. Allele origin: germline. Affected: yes.
Comment: In silico analysis supports that this missense variant has a deleterious effect on protein structure/function; Has not been previously published as pathogenic or benign to our knowledge

NM_002768.5(CHMP1A):c.541C>T (p.Arg181Cys)

Gene: CHMP1A (charged multivesicular body protein 1A; minus strand). Cytogenetic location: 16q24.3.
Variant type: single nucleotide variant.
Coding change: c.541C>T on transcript NM_002768.5 (MANE Select); coding-DNA position 541, C replaced by T.
Protein change: p.Arg181Cys; replaces arginine 181 with cysteine.
Molecular consequence: missense variant. On other transcripts: non-coding transcript variant (1).
Genome position (GRCh38, 1-based): chr16:89,646,555, G>A on the plus strand (C>T on the coding strand, the complement: CHMP1A is on the minus strand). VCF-style: chr16-89646555-G-A. GRCh37 (hg19) VCF-style: chr16-89712963-G-A.
Other names: c.521C>T, p.Ala174Val (NM_001083314.4); short protein forms A174V, R181C.
Identifiers: ClinVar variation 3371007 (VCV003371007.2).